The following is an entry in ClinVar:

NM_001378454.1(ALMS1):c.2863C>T (p.His955Tyr)

Gene: ALMS1 (ALMS1 centrosome and basal body associated protein; plus strand). Cytogenetic location: 2p13.1.
Variant type: single nucleotide variant.
Coding change: c.2863C>T on transcript NM_001378454.1 (MANE Select); coding-DNA position 2863, C replaced by T.
Protein change: p.His955Tyr; replaces histidine 955 with tyrosine.
Molecular consequence: missense variant.
Genome position (GRCh38, 1-based): chr2:73,449,390, C>T. VCF-style: chr2-73449390-C-T. GRCh37 (hg19) VCF-style: chr2-73676517-C-T.
Other names: c.2866C>T, p.His956Tyr (NM_015120.4); short protein forms H956Y, H955Y.
Identifiers: ClinVar variation 2193016 (VCV002193016.2), dbSNP rs762373713, ClinGen allele CA347272567.
Genomic context (GRCh38, chr2:73,449,390, plus strand): 5'-TCAGCTGTTTCTGTATTGGCTGCCCAGAAGACTGGGACACCAACAGTGTCCTCTAATTCT[C>T]ACTCACATAGCGAGAAATCTAGTGTTTTCTACCAGCAAGAGTTGCCAGACAGTGATCTAC-3'
Protein context (NP_001365383.1, residues 945-965): TGTPTVSSNS[His955Tyr]SHSEKSSVFY

ClinVar aggregate classification (germline): Uncertain significance (1 of 4 stars; one submission).

Conditions:
Alstrom syndrome (ALMS). Identifiers: Orphanet 64, MedGen C0268425, MONDO:0008763, OMIM 203800.

Allele frequency attached by ClinVar (database versions not stated): gnomAD exomes 0.00001.
gnomAD v4.1: 5 of 1,614,060 alleles (0.00031%); highest among the groups gnomAD compares: South Asian, 0.0022%; no homozygotes.

Submission:

Labcorp Genetics (formerly Invitae), Labcorp
Classification: Uncertain significance for Alstrom syndrome. Last evaluated: 2025-10-29. Review status: criteria provided, single submitter. Criteria: Invitae Variant Classification Sherloc (09022015). Collection method: clinical testing. Allele origin: germline.
Comment: This sequence change replaces histidine, which is basic and polar, with tyrosine, which is neutral and polar, at codon 956 of the ALMS1 protein (p.His956Tyr). This variant is present in population databases (no rsID available, gnomAD 0.006%). This variant has not been reported in the literature in individuals affected with ALMS1-related conditions. ClinVar contains an entry for this variant (Variation ID: 2193016). Experimental studies and prediction algorithms are not available or were not evaluated, and the functional significance of this variant is currently unknown. In summary, the available evidence is currently insufficient to determine the role of this variant in disease. Therefore, it has been classified as a Variant of Uncertain Significance.